The following is an entry in ClinVar:

NC_012920.1(MT-CYB):m.15262T>C

Gene: MT-CYB (mitochondrially encoded cytochrome b; plus strand).
Variant type: single nucleotide variant.
Genome position: chrM-15262-T-C.
Identifiers: ClinVar variation 376959 (VCV000376959.3), dbSNP rs1057520097, ClinGen allele CA16603220.

ClinVar aggregate classification (germline): Likely benign (1 of 4 stars; one submission).

Submission:

Center for Pediatric Genomic Medicine, Children's Mercy Hospital and Clinics
Classification: Likely benign. Last evaluated: 2017-01-24. Review status: criteria provided, single submitter. Criteria: ACMG Guidelines, 2015. Collection method: clinical testing. Allele origin: germline.
ClinVar note: Converted during submission from Likely Benign to Likely benign.